The following is an entry in ClinVar:

ClinVar aggregate classification (germline): Uncertain significance (1 of 4 stars; one submission).

Conditions:
Inborn genetic diseases. Identifiers: MedGen C0950123, MeSH D030342.

Allele frequency attached by ClinVar (database versions not stated): gnomAD exomes below 0.00001.
gnomAD v4.1: 2 of 1,613,796 alleles (0.00012%); highest among the groups gnomAD compares: South Asian, 0.0011%; no homozygotes.

Submission:

Ambry Genetics
Classification: Uncertain significance for Inborn genetic diseases. Last evaluated: 2023-07-27. Review status: criteria provided, single submitter. Criteria: Ambry Variant Classification Scheme 2023. Collection method: clinical testing. Allele origin: germline.
Comment: The p.G2403R variant (also known as c.7207G>A), located in coding exon 43 of the ATR gene, results from a G to A substitution at nucleotide position 7207. The glycine at codon 2403 is replaced by arginine, an amino acid with dissimilar properties. This amino acid position is conserved. In addition, the in silico prediction for this alteration is inconclusive. Since supporting evidence is limited at this time, the clinical significance of this alteration remains unclear.

NM_001184.4(ATR):c.7207G>A (p.Gly2403Arg)

Gene: ATR (ATR checkpoint kinase; minus strand). Cytogenetic location: 3q23.
Variant type: single nucleotide variant.
Coding change: c.7207G>A on transcript NM_001184.4 (MANE Select); coding-DNA position 7207, G replaced by A.
Protein change: p.Gly2403Arg; replaces glycine 2403 with arginine.
Molecular consequence: missense variant.
Genome position (GRCh38, 1-based): chr3:142,459,369, C>T on the plus strand (G>A on the coding strand, the complement: ATR is on the minus strand). VCF-style: chr3-142459369-C-T. GRCh37 (hg19) VCF-style: chr3-142178211-C-T.
Other names: c.7015G>A, p.Gly2339Arg (NM_001354579.2); short protein forms G2403R, G2339R.
Identifiers: ClinVar variation 2614161 (VCV002614161.2), dbSNP rs2108262032, ClinGen allele CA354798316.